The following is an entry in ClinVar:

ClinVar aggregate classification (germline): Uncertain significance (1 of 4 stars; one submission).

Allele frequency attached by ClinVar (database versions not stated): gnomAD exomes below 0.00001; gnomAD 0.00001.
gnomAD v4.1: 3 of 1,613,930 alleles (0.00019%); highest among the groups gnomAD compares: African/African-American, 0.0013%; no homozygotes.

Submission:

Labcorp Genetics (formerly Invitae), Labcorp
Classification: Uncertain significance. Last evaluated: 2023-06-25. Review status: criteria provided, single submitter. Criteria: Invitae Variant Classification Sherloc (09022015). Collection method: clinical testing. Allele origin: germline.
Comment: In summary, the available evidence is currently insufficient to determine the role of this variant in disease. Therefore, it has been classified as a Variant of Uncertain Significance. Advanced modeling of protein sequence and biophysical properties (such as structural, functional, and spatial information, amino acid conservation, physicochemical variation, residue mobility, and thermodynamic stability) performed at Invitae indicates that this missense variant is not expected to disrupt PCK1 protein function. This variant has not been reported in the literature in individuals affected with PCK1-related conditions. This variant is not present in population databases (gnomAD no frequency). This sequence change replaces glutamic acid, which is acidic and polar, with lysine, which is basic and polar, at codon 51 of the PCK1 protein (p.Glu51Lys).

NM_002591.4(PCK1):c.151G>A (p.Glu51Lys)

Gene: PCK1 (phosphoenolpyruvate carboxykinase 1; plus strand). Cytogenetic location: 20q13.31.
Variant type: single nucleotide variant.
Coding change: c.151G>A on transcript NM_002591.4 (MANE Select); coding-DNA position 151, G replaced by A.
Protein change: p.Glu51Lys; replaces glutamic acid 51 with lysine.
Molecular consequence: missense variant.
Genome position (GRCh38, 1-based): chr20:57,561,562, G>A. VCF-style: chr20-57561562-G-A. GRCh37 (hg19) VCF-style: chr20-56136618-G-A.
Other names: short protein forms E51K.
Identifiers: ClinVar variation 2729046 (VCV002729046.3), dbSNP rs2070142702, ClinGen allele CA409434353.